The following is an entry in ClinVar:

NM_014704.4(CEP104):c.1226G>A (p.Arg409Gln)

Gene: CEP104 (centrosomal protein 104; minus strand). Cytogenetic location: 1p36.32.
Variant type: single nucleotide variant.
Coding change: c.1226G>A on transcript NM_014704.4 (MANE Select); coding-DNA position 1226, G replaced by A.
Protein change: p.Arg409Gln; replaces arginine 409 with glutamine.
Molecular consequence: missense variant.
Genome position (GRCh38, 1-based): chr1:3,836,586, C>T on the plus strand (G>A on the coding strand, the complement: CEP104 is on the minus strand). VCF-style: chr1-3836586-C-T. GRCh37 (hg19) VCF-style: chr1-3753150-C-T.
Other names: c.1226G>A (NM_014704.3); short protein forms R409Q.
Identifiers: ClinVar variation 1546702 (VCV001546702.11), dbSNP rs143501631, ClinGen allele CA551687.

ClinVar aggregate classification (germline): Conflicting classifications of pathogenicity. Review status: criteria provided, conflicting classifications (1 of 4 stars). 4 submissions from 4 submitters: Uncertain significance (2); Likely benign (2). Last evaluated 2026-07-01.

Conditions:
Joubert syndrome 25 (JBTS25). Identifiers: Orphanet 475, MedGen C4084842, MONDO:0014770, OMIM 616781.

Allele frequency attached by ClinVar (database versions not stated): gnomAD 0.00001 and 0.00002; gnomAD exomes 0.00006 and 0.00030; ESP Exome Variant Server 0.00008; TOPMed 0.00010; 1000 Genomes Project 30x 0.00016; 1000 Genomes Project 0.00020; ExAC 0.00022.
gnomAD v4.1: 93 of 1,613,376 alleles (0.0058%); highest among the groups gnomAD compares: Admixed American, 0.13%; no homozygotes.

Submissions (4):

CeGaT Center for Human Genetics Tuebingen
Classification: Uncertain significance. Last evaluated: 2026-07-01. Review status: criteria provided, single submitter. Criteria: CeGaT Center For Human Genetics Tuebingen Variant Classification Criteria Version 2. Collection method: clinical testing. Allele origin: germline. Affected: yes. Observed: 1 variant allele.
Comment: CEP104: PM2, BP4

Labcorp Genetics (formerly Invitae), Labcorp
Classification: Likely benign for Joubert syndrome 25. Last evaluated: 2026-01-12. Review status: criteria provided, single submitter. Criteria: Invitae Variant Classification Sherloc (09022015). Collection method: clinical testing. Allele origin: germline.

GeneDx
Classification: Uncertain significance. Last evaluated: 2024-12-06. Review status: criteria provided, single submitter. Criteria: GeneDx Variant Classification Process June 2021. Collection method: clinical testing. Allele origin: germline.
Comment: Observed as apparently de novo variant in individual with autism; however no further clinical information was provided (PMID: 35982160); In silico analysis indicates that this missense variant does not alter protein structure/function; This variant is associated with the following publications: (PMID: 35982159, 35982160)

Blueprint Genetics
Classification: Likely benign. Last evaluated: 2024-08-20. Review status: criteria provided, single submitter. Criteria: ACMG Guidelines, 2015. Collection method: clinical testing. Allele origin: germline.